The following is an entry in ClinVar:

ClinVar aggregate classification (germline): Pathogenic (1 of 4 stars; one submission).

Conditions:
Duchenne muscular dystrophy (DMD). Also called: MUSCULAR DYSTROPHY, PSEUDOHYPERTROPHIC PROGRESSIVE, DUCHENNE TYPE; Duchenne Muscular Dystrophy (DMD). Identifiers: Orphanet 98896, MedGen C0013264, MONDO:0010679, OMIM 310200.

Submission:

Labcorp Genetics (formerly Invitae), Labcorp
Classification: Pathogenic for Duchenne muscular dystrophy. Last evaluated: 2017-07-31. Review status: criteria provided, single submitter. Criteria: Invitae Variant Classification Sherloc (09022015). Collection method: clinical testing. Allele origin: germline.
Comment: Loss-of-function variants in DMD are known to be pathogenic (PMID: 16770791, 25007885). Algorithms developed to predict the effect of sequence changes on RNA splicing suggest that this variant may create or strengthen a splice site, but this prediction has not been confirmed by published transcriptional studies. This variant has not been reported in the literature in individuals with DMD-related disease. This variant is not present in population databases (ExAC no frequency). This sequence change creates a premature translational stop signal (p.Val2869Cysfs*26) in the DMD gene. It is expected to result in an absent or disrupted protein product. For these reasons, this variant has been classified as Pathogenic.

Literature cited by the submitters: PubMed 16770791; PubMed 25007885.

NM_004006.3(DMD):c.8604dup (p.Val2869fs)

Gene: DMD (dystrophin; minus strand). Cytogenetic location: Xp21.2.
Variant type: Duplication.
Coding change: c.8604dup on transcript NM_004006.3 (MANE Select); coding-DNA position 8604, one base duplicated (T; older notation c.8604dupT).
Protein change: p.Val2869fs; shifts the reading frame from valine 2869.
Molecular consequence: frameshift variant.
Genome position (GRCh38, 1-based): chrX:31,479,047, A duplicated on the plus strand (T on the coding strand, the reverse complement: DMD is on the minus strand). VCF-style (leftmost placement, unchanged base first): chrX-31479046-C-CA. GRCh37 (hg19) VCF-style: chrX-31497163-C-CA.
Other names: c.8580dup, p.Val2861fs (NM_000109.4); c.8592dup, p.Val2865fs (NM_004009.3); c.8235dup, p.Val2746fs (NM_004010.3); c.4581dup, p.Val1528fs (NM_004011.4); c.4572dup, p.Val1525fs (NM_004012.4); c.1224dup, p.Val409fs (NM_004013.3, NM_004020.4, NM_004021.3 and 2 more transcripts); c.417dup, p.Val140fs (NM_004014.3); c.8604dupT (NM_004006.2); short protein forms V1525fs, V2869fs, V140fs, V2746fs, V2861fs, V1528fs, V2865fs, V409fs.
Identifiers: ClinVar variation 455936 (VCV000455936.7), dbSNP rs1556656818, ClinGen allele CA658658951.